The following is an entry in ClinVar:

NM_014727.3(KMT2B):c.2835G>C (p.Leu945=)

Gene: KMT2B (lysine methyltransferase 2B; plus strand). Cytogenetic location: 19q13.12.
Variant type: single nucleotide variant.
Coding change: c.2835G>C on transcript NM_014727.3 (MANE Select); coding-DNA position 2835, G replaced by C.
Protein change: p.Leu945=; no amino-acid change (leucine 945 retained).
Molecular consequence: synonymous variant.
Genome position (GRCh38, 1-based): chr19:35,723,107, G>C. VCF-style: chr19-35723107-G-C. GRCh37 (hg19) VCF-style: chr19-36214009-G-C.
Identifiers: ClinVar variation 707830 (VCV000707830.45), dbSNP rs182457846, ClinGen allele CA9384585.

ClinVar aggregate classification (germline): Benign/Likely benign. Review status: criteria provided, multiple submitters, no conflicts (2 of 4 stars). 4 submissions from 4 submitters: Benign (1); Likely benign (3). Last evaluated 2026-01-31.

Allele frequency attached by ClinVar (database versions not stated): 1000 Genomes Project 30x 0.00047; 1000 Genomes Project 0.00060; TOPMed 0.00164; gnomAD 0.00168 and 0.00172; ExAC 0.00172; gnomAD exomes 0.00176 and 0.00221; ESP Exome Variant Server 0.00198.
gnomAD v4.1: 3,483 of 1,613,310 alleles (0.22%); highest among the groups gnomAD compares: Non-Finnish European, 0.26%; 3 homozygotes.

Submissions (4):

Labcorp Genetics (formerly Invitae), Labcorp
Classification: Benign. Last evaluated: 2026-01-31. Review status: criteria provided, single submitter. Criteria: Invitae Variant Classification Sherloc (09022015). Collection method: clinical testing. Allele origin: germline.

CeGaT Center for Human Genetics Tuebingen
Classification: Likely benign. Last evaluated: 2025-09-01. Review status: criteria provided, single submitter. Criteria: CeGaT Center For Human Genetics Tuebingen Variant Classification Criteria Version 2. Collection method: clinical testing. Allele origin: germline. Affected: yes. Observed: 10 variant alleles.
Comment: KMT2B: BP4, BS1

Blueprint Genetics
Classification: Likely benign. Last evaluated: 2024-11-21. Review status: criteria provided, single submitter. Criteria: ACMG Guidelines, 2015. Collection method: clinical testing. Allele origin: germline.

Breakthrough Genomics
Classification: Likely benign. Review status: criteria provided, single submitter. Criteria: ACMG Guidelines, 2015. Collection method: not provided. Allele origin: germline. Inheritance: Autosomal dominant inheritance. Affected: yes.